The following is an entry in ClinVar:

ClinVar aggregate classification (germline): Pathogenic (1 of 4 stars; one submission).

Submission:

Illumina Laboratory Services, Illumina
Classification: Pathogenic. Last evaluated: 2023-04-13. Review status: criteria provided, single submitter. Criteria: ICSL CNVClassificationCriteria Aug2020. Collection method: clinical testing. Allele origin: unknown.
Comment: This CNV is a 2 Mb duplication of 17p11.2 on chromosome17, (seq[GRCh37]dup(17)(p11.2); NC_000017.10:g. 16757513_18772328dup). This CNV encompasses 31 protein coding genes, including the RAI1 gene, and overlaps the well-described Potocki-Lupski syndrome (PMID: 17357070; 20188345). The 17p11.2 duplication has not been reported in published controls and is not found in the Genome Aggregation Database (gnomAD SVs version 2.1.). Based on the available evidence, this CNV is classified as pathogenic.

Single allele

Genes: ALKBH5 (alkB homolog 5, RNA demethylase; plus strand), ATPAF2 (ATP synthase mitochondrial F1 complex assembly factor 2; minus strand), COPS3 (COP9 signalosome subunit 3; minus strand), DRC3 (dynein regulatory complex subunit 3; plus strand), DRG2 (developmentally regulated GTP binding protein 2; plus strand) and 27 more. Cytogenetic location: 17p11.2.
Variant type: Duplication.
Identifiers: ClinVar variation 2671583 (VCV002671583.1).